The following is an entry in ClinVar:

NM_000336.3(SCNN1B):c.1789del (p.Arg597fs)

Gene: SCNN1B (sodium channel epithelial 1 subunit beta; plus strand). Cytogenetic location: 16p12.2.
Variant type: Deletion.
Coding change: c.1789del on transcript NM_000336.3 (MANE Select); coding-DNA position 1789, one base deleted (C; older notation c.1789delC).
Protein change: p.Arg597fs; shifts the reading frame from arginine 597.
Molecular consequence: frameshift variant.
Genome position (GRCh38, 1-based): chr16:23,380,667, C deleted; the last of 6 consecutive C bases (chr16:23,380,662-23,380,667); deleting any one gives the same sequence. VCF-style (leftmost placement, unchanged base first): chr16-23380661-GC-G. GRCh37 (hg19) VCF-style: chr16-23391982-GC-G.
Other names: short protein forms R597fs.
Identifiers: ClinVar variation 448299 (VCV000448299.3), dbSNP rs758629218, ClinGen allele CA7960639.

ClinVar aggregate classification (germline): Pathogenic/Likely pathogenic. Review status: criteria provided, multiple submitters, no conflicts (2 of 4 stars). 2 submissions from 2 submitters: Pathogenic (1); Likely pathogenic (1). Last evaluated 2024-11-27.

Submissions (2):

Labcorp Genetics (formerly Invitae), Labcorp
Classification: Likely pathogenic. Last evaluated: 2024-11-27. Review status: criteria provided, single submitter. Criteria: Invitae Variant Classification Sherloc (09022015). Collection method: clinical testing. Allele origin: germline.
Comment: This sequence change results in a frameshift in the SCNN1B gene (p.Arg597Alafs*79). While this is not anticipated to result in nonsense mediated decay, it is expected to disrupt the last 44 amino acid(s) of the SCNN1B protein and extend the protein by 34 additional amino acid residues. This variant is present in population databases (rs780206216, gnomAD 0.01%). This frameshift has been observed in individuals with autosomal dominant Liddle syndrome (PMID: 7954808, 32566444). It has also been observed to segregate with disease in related individuals. This variant is also known as 1911_1916delC, p.Arg595AlafsX673. ClinVar contains an entry for this variant (Variation ID: 448299). In summary, the currently available evidence indicates that the variant is pathogenic, but additional data are needed to prove that conclusively. Therefore, this variant has been classified as Likely Pathogenic.

Athena Diagnostics
Classification: Pathogenic. Last evaluated: 2016-01-19. Review status: criteria provided, single submitter. Criteria: Athena Diagnostics Criteria. Collection method: clinical testing. Allele origin: germline.

Literature cited by the submitters: PubMed 7954808 (cited by Labcorp Genetics (formerly Invitae), Labcorp and Athena Diagnostics); PubMed 32566444 (cited by Labcorp Genetics (formerly Invitae), Labcorp).